The following is an entry in ClinVar:

ClinVar aggregate classification (germline): Uncertain significance (1 of 4 stars; one submission).

Submission:

Labcorp Genetics (formerly Invitae), Labcorp
Classification: Uncertain significance. Last evaluated: 2024-11-18. Review status: criteria provided, single submitter. Criteria: Invitae Variant Classification Sherloc (09022015). Collection method: clinical testing. Allele origin: germline.
Comment: This sequence change replaces asparagine, which is neutral and polar, with histidine, which is basic and polar, at codon 376 of the CNGB3 protein (p.Asn376His). This variant is not present in population databases (gnomAD no frequency). This variant has not been reported in the literature in individuals affected with CNGB3-related conditions. ClinVar contains an entry for this variant (Variation ID: 1462780). Invitae Evidence Modeling of protein sequence and biophysical properties (such as structural, functional, and spatial information, amino acid conservation, physicochemical variation, residue mobility, and thermodynamic stability) indicates that this missense variant is not expected to disrupt CNGB3 protein function with a negative predictive value of 95%. In summary, the available evidence is currently insufficient to determine the role of this variant in disease. Therefore, it has been classified as a Variant of Uncertain Significance.

NM_019098.5(CNGB3):c.1126A>C (p.Asn376His)

Gene: CNGB3 (cyclic nucleotide gated channel subunit beta 3; minus strand). Cytogenetic location: 8q21.3.
Variant type: single nucleotide variant.
Coding change: c.1126A>C on transcript NM_019098.5 (MANE Select); coding-DNA position 1126, A replaced by C.
Protein change: p.Asn376His; replaces asparagine 376 with histidine.
Molecular consequence: missense variant.
Genome position (GRCh38, 1-based): chr8:86,643,803, T>G on the plus strand (A>C on the coding strand, the complement: CNGB3 is on the minus strand). VCF-style: chr8-86643803-T-G. GRCh37 (hg19) VCF-style: chr8-87656031-T-G.
Other names: short protein forms N376H.
Identifiers: ClinVar variation 1462780 (VCV001462780.7), dbSNP rs754937899, ClinGen allele CA371446808.